The following is an entry in ClinVar:

ClinVar aggregate classification (germline): Uncertain significance. Review status: criteria provided, multiple submitters, no conflicts (2 of 4 stars). 2 submissions from 2 submitters: Uncertain significance (2). Last evaluated 2024-11-11.

Conditions:
Neuropathy, hereditary sensory, type 2C. Also called: Hereditary sensory and autonomic neuropathy type IIC; KIF1A-Related HSAN2 (HSAN2C). Identifiers: Orphanet 970, MedGen C3280168, MONDO:0013634, OMIM 614213.
Intellectual disability, autosomal dominant 9 (NESCAVS). Also called: KIF1A-Related Neurodevelopmental Disorder; NESCAV SYNDROME. Identifiers: Orphanet 662367, MedGen C5393830, MONDO:0013656, OMIM 614255.
Hereditary spastic paraplegia 30. Identifiers: Orphanet 101010, MedGen C5235139, MONDO:0012476.
Spastic paraplegia. Identifiers: MedGen C0037772, HP:0001258.

Allele frequency attached by ClinVar (database versions not stated): gnomAD exomes below 0.00001.
gnomAD v4.1: 3 of 1,611,672 alleles (0.00019%); highest among the groups gnomAD compares: Admixed American, 0.0017%; no homozygotes.

Submissions (2):

Labcorp Genetics (formerly Invitae), Labcorp
Classification: Uncertain significance for Hereditary spastic paraplegia 30; Neuropathy, hereditary sensory, type 2C; Intellectual disability, autosomal dominant 9. Last evaluated: 2024-11-11. Review status: criteria provided, single submitter. Criteria: Invitae Variant Classification Sherloc (09022015). Collection method: clinical testing. Allele origin: germline.
Comment: This sequence change falls in intron 15 of the KIF1A gene. It does not directly change the encoded amino acid sequence of the KIF1A protein. It affects a nucleotide within the consensus splice site. This variant is present in population databases (no rsID available, gnomAD 0.003%). This variant has been observed in individual(s) with hereditary spastic paraplegia (PMID: 34983064). ClinVar contains an entry for this variant (Variation ID: 989079). Variants that disrupt the consensus splice site are a relatively common cause of aberrant splicing (PMID: 17576681, 9536098). Algorithms developed to predict the effect of sequence changes on RNA splicing suggest that this variant is not likely to affect RNA splicing. In summary, the available evidence is currently insufficient to determine the role of this variant in disease. Therefore, it has been classified as a Variant of Uncertain Significance.

Paris Brain Institute, Inserm - ICM
Classification: Uncertain significance for Spastic paraplegia. Review status: criteria provided, single submitter. Criteria: ACMG Guidelines, 2015. Collection method: clinical testing. Allele origin: unknown. Affected: yes. Observed: 1 variant allele.

Literature cited by the submitters: PubMed 34983064 (cited by Labcorp Genetics (formerly Invitae), Labcorp); PubMed 17576681 (cited by Labcorp Genetics (formerly Invitae), Labcorp); PubMed 9536098 (cited by Labcorp Genetics (formerly Invitae), Labcorp).

NM_001244008.2(KIF1A):c.1498-3C>A

Gene: KIF1A (kinesin family member 1A; minus strand). Cytogenetic location: 2q37.3.
Variant type: single nucleotide variant.
Coding change: c.1498-3C>A on transcript NM_001244008.2 (MANE Select); 3 bases into the intron before coding-DNA position 1498, C replaced by A.
Molecular consequence: intron variant.
Genome position (GRCh38, 1-based): chr2:240,767,348, G>T on the plus strand (C>A on the coding strand, the complement: KIF1A is on the minus strand). VCF-style: chr2-240767348-G-T. GRCh37 (hg19) VCF-style: chr2-241706765-G-T.
Other names: c.1471-3C>A (NM_001379653.1, NM_001379650.1, NM_001379645.1 and 10 more transcripts); c.1573-3C>A (NM_001379635.1, NM_001330290.2, NM_001379646.1 and 2 more transcripts); c.1546-3C>A (NM_001379637.1, NM_001379648.1); c.1498-3C>A (NM_001320705.2, NM_001379638.1, NM_001330289.2).
Identifiers: ClinVar variation 989079 (VCV000989079.7), dbSNP rs1191854158, ClinGen allele CA540752901.
Genomic context (GRCh38, chr2:240,767,348, plus strand): 5'-AGTAGAGCAGGCACTCAGACATCAGCGGGTCCTCGTTCAGGTTGACGAGGTGTGGTGTCT[G>T]CAGGGAGACAGGAGGATCATCTCTCTTGCAGAGGGGCAGGAGCCTGATGCTGGCCACACC-3'